The following is an entry in ClinVar:

ClinVar aggregate classification (germline): Pathogenic (1 of 4 stars; one submission).

Conditions:
Hereditary spastic paraplegia 11. Also called: Spastic paraplegia, mental retardation and thin corpus callosum; SPASTIC PARAPLEGIA, AUTOSOMAL RECESSIVE, COMPLICATED, WITH THIN CORPUS CALLOSUM; SPASTIC PARAPLEGIA, AUTOSOMAL RECESSIVE, WITH MENTAL IMPAIRMENT AND THIN CORPUS CALLOSUM; Spastic Paraplegia 11; Nakamura Osame syndrome; Autosomal recessive hereditary spastic paraplegia, mental impairment, and thin corpus callosum. Identifiers: Orphanet 2822, MedGen C1858479, MONDO:0011445, OMIM 604360.

Submission:

Labcorp Genetics (formerly Invitae), Labcorp
Classification: Pathogenic for Hereditary spastic paraplegia 11. Last evaluated: 2023-10-22. Review status: criteria provided, single submitter. Criteria: Invitae Variant Classification Sherloc (09022015). Collection method: clinical testing. Allele origin: unknown.
Comment: This variant is a gross deletion of the genomic region encompassing exon(s) 27-28 of the SPG11 gene. This deletion is out-of-frame, and is expected to create a premature termination codon and result in an absent or disrupted protein product. Loss-of-function variants in SPG11 are known to be pathogenic (PMID: 19105190, 20110243, 22154821, 26556829). This variant has not been reported in the literature in individuals affected with SPG11-related conditions. For these reasons, this variant has been classified as Pathogenic.

Literature cited by the submitters: PubMed 19105190; PubMed 20110243; PubMed 22154821; PubMed 26556829.

NC_000015.9:g.(?_44881430)_(44884656_?)del

Gene: SPG11 (SPG11 vesicle trafficking associated, spatacsin; minus strand). Cytogenetic location: 15q21.1.
Variant type: Deletion.
Identifiers: ClinVar variation 3243789 (VCV003243789.1).